The following is an entry in ClinVar:

ClinVar aggregate classification (germline): Uncertain significance (1 of 4 stars; one submission).

Conditions:
Mucopolysaccharidosis, MPS-III-B (MPS3B). Also called: N-ACETYL-ALPHA-D-GLUCOSAMINIDASE DEFICIENCY; NAGLU DEFICIENCY; SANFILIPPO SYNDROME B; MPS III B; MPS IIIB (Sanfilippo Syndrome Type B); MUCOPOLYSACCHARIDOSIS, TYPE IIIB. Identifiers: Orphanet 79270, MedGen C0086648, MONDO:0009656, OMIM 252920.
Charcot-Marie-Tooth disease axonal type 2V. Also called: CHARCOT-MARIE-TOOTH NEUROPATHY, TYPE 2V; CHARCOT-MARIE-TOOTH DISEASE, AXONAL, AUTOSOMAL DOMINANT, TYPE 2V. Identifiers: Orphanet 447964, MedGen C5569050, MONDO:0014665, OMIM 616491.

Allele frequency attached by ClinVar (database versions not stated): gnomAD exomes below 0.00001.
gnomAD v4.1: 1 of 1,614,066 alleles (0.000062%); highest among the groups gnomAD compares: Non-Finnish European, 0.000085%; no homozygotes.

Submission:

Labcorp Genetics (formerly Invitae), Labcorp
Classification: Uncertain significance for Charcot-Marie-Tooth disease axonal type 2V; Mucopolysaccharidosis, MPS-III-B. Last evaluated: 2022-06-05. Review status: criteria provided, single submitter. Criteria: Invitae Variant Classification Sherloc (09022015). Collection method: clinical testing. Allele origin: germline.
Comment: This sequence change replaces tryptophan, which is neutral and slightly polar, with serine, which is neutral and polar, at codon 168 of the NAGLU protein (p.Trp168Ser). This variant is not present in population databases (gnomAD no frequency). This variant has not been reported in the literature in individuals affected with NAGLU-related conditions. ClinVar contains an entry for this variant (Variation ID: 1442733). Algorithms developed to predict the effect of missense changes on protein structure and function (SIFT, PolyPhen-2, Align-GVGD) all suggest that this variant is likely to be tolerated. In summary, the available evidence is currently insufficient to determine the role of this variant in disease. Therefore, it has been classified as a Variant of Uncertain Significance.

NM_000263.4(NAGLU):c.503G>C (p.Trp168Ser)

Gene: NAGLU (N-acetyl-alpha-glucosaminidase; plus strand). Cytogenetic location: 17q21.2.
Variant type: single nucleotide variant.
Coding change: c.503G>C on transcript NM_000263.4 (MANE Select); coding-DNA position 503, G replaced by C.
Protein change: p.Trp168Ser; replaces tryptophan 168 with serine.
Molecular consequence: missense variant.
Genome position (GRCh38, 1-based): chr17:42,537,517, G>C. VCF-style: chr17-42537517-G-C. GRCh37 (hg19) VCF-style: chr17-40689535-G-C.
Other names: short protein forms W168S.
Identifiers: ClinVar variation 1442733 (VCV001442733.3), dbSNP rs398123281, ClinGen allele CA399598249.